The following is an entry in ClinVar:

NM_002519.3(NPAT):c.1178A>G (p.Asp393Gly)

Gene: NPAT (nuclear protein, coactivator of histone transcription; minus strand). Cytogenetic location: 11q22.3.
Variant type: single nucleotide variant.
Coding change: c.1178A>G on transcript NM_002519.3 (MANE Select); coding-DNA position 1178, A replaced by G.
Protein change: p.Asp393Gly; replaces aspartic acid 393 with glycine.
Molecular consequence: missense variant.
Genome position (GRCh38, 1-based): chr11:108,173,806, T>C on the plus strand (A>G on the coding strand, the complement: NPAT is on the minus strand). VCF-style: chr11-108173806-T-C. GRCh37 (hg19) VCF-style: chr11-108044533-T-C.
Other names: c.1178A>G, p.Asp393Gly (NM_001321307.1); short protein forms D393G.
Identifiers: ClinVar variation 2839032 (VCV002839032.3), dbSNP rs2077979306, ClinGen allele CA382516117.

ClinVar aggregate classification (germline): Uncertain significance (1 of 4 stars; one submission).

Submission:

Labcorp Genetics (formerly Invitae), Labcorp
Classification: Uncertain significance. Last evaluated: 2023-03-07. Review status: criteria provided, single submitter. Criteria: Invitae Variant Classification Sherloc (09022015). Collection method: clinical testing. Allele origin: germline.
Comment: This sequence change replaces aspartic acid, which is acidic and polar, with glycine, which is neutral and non-polar, at codon 393 of the NPAT protein (p.Asp393Gly). This variant is not present in population databases (gnomAD no frequency). This variant has not been reported in the literature in individuals affected with NPAT-related conditions. Algorithms developed to predict the effect of missense changes on protein structure and function output the following: SIFT: "Not Available"; PolyPhen-2: "Benign"; Align-GVGD: "Not Available". The glycine amino acid residue is found in multiple mammalian species, which suggests that this missense change does not adversely affect protein function. In summary, the available evidence is currently insufficient to determine the role of this variant in disease. Therefore, it has been classified as a Variant of Uncertain Significance.